The following is an entry in ClinVar:

ClinVar aggregate classification (germline): Likely benign. Review status: criteria provided, multiple submitters, no conflicts (2 of 4 stars). 4 submissions from 4 submitters: Likely benign (4). Last evaluated 2026-01-05.

Allele frequency attached by ClinVar (database versions not stated): gnomAD exomes 0.00008 and 0.00016; ExAC 0.00026; gnomAD 0.00052 and 0.00055; TOPMed 0.00070; ESP Exome Variant Server 0.00100; 1000 Genomes Project 0.00200; 1000 Genomes Project 30x 0.00219.
gnomAD v4.1: 209 of 1,594,486 alleles (0.013%); highest among the groups gnomAD compares: African/African-American, 0.11%; no homozygotes.

Submissions (4):

Labcorp Genetics (formerly Invitae), Labcorp
Classification: Likely benign. Last evaluated: 2026-01-05. Review status: criteria provided, single submitter. Criteria: Invitae Variant Classification Sherloc (09022015). Collection method: clinical testing. Allele origin: germline.

Blueprint Genetics
Classification: Likely benign. Last evaluated: 2024-09-13. Review status: criteria provided, single submitter. Criteria: ACMG Guidelines, 2015. Collection method: clinical testing. Allele origin: germline.

CeGaT Center for Human Genetics Tuebingen
Classification: Likely benign. Last evaluated: 2022-10-01. Review status: criteria provided, single submitter. Criteria: CeGaT Center For Human Genetics Tuebingen Variant Classification Criteria Version 2. Collection method: clinical testing. Allele origin: germline. Affected: yes. Observed: 1 variant allele.
Comment: GUCY2C: BP4, BP7

Breakthrough Genomics
Classification: Likely benign. Review status: criteria provided, single submitter. Criteria: ACMG Guidelines, 2015. Collection method: not provided. Allele origin: germline. Inheritance: Autosomal recessive inheritance. Affected: yes.

NM_004963.4(GUCY2C):c.2454A>G (p.Glu818=)

Gene: GUCY2C (guanylate cyclase 2C; minus strand). Cytogenetic location: 12p12.3.
Variant type: single nucleotide variant.
Coding change: c.2454A>G on transcript NM_004963.4 (MANE Select); coding-DNA position 2454, A replaced by G.
Protein change: p.Glu818=; no amino-acid change (glutamic acid 818 retained).
Molecular consequence: synonymous variant.
Genome position (GRCh38, 1-based): chr12:14,622,152, T>C on the plus strand (A>G on the coding strand, the complement: GUCY2C is on the minus strand). VCF-style: chr12-14622152-T-C. GRCh37 (hg19) VCF-style: chr12-14775086-T-C.
Identifiers: ClinVar variation 746452 (VCV000746452.34), dbSNP rs140108157, ClinGen allele CA6463064.
Genomic context (GRCh38, chr12:14,622,152, plus strand): 5'-TTTGCAGATAGTAGTGAAACCTACAATGTCACTGAAGTAGATTGTAACTTCCTCATATAG[T>C]TCCGGCTCCACAAAGCCTTTCTCCTTCAGAGACTTTACCACTAGCCTAGATGAACGAAGG-3'
Protein context (NP_004954.2, residues 808-828): SLKEKGFVEP[Glu818=]LYEEVTIYFS